The following is an entry in ClinVar:

NM_015331.3(NCSTN):c.1211G>A (p.Ser404Asn)

Gene: NCSTN (nicastrin; plus strand). Cytogenetic location: 1q23.2.
Variant type: single nucleotide variant.
Coding change: c.1211G>A on transcript NM_015331.3 (MANE Select); coding-DNA position 1211, G replaced by A.
Protein change: p.Ser404Asn; replaces serine 404 with asparagine.
Molecular consequence: missense variant.
Genome position (GRCh38, 1-based): chr1:160,354,149, G>A. VCF-style: chr1-160354149-G-A. GRCh37 (hg19) VCF-style: chr1-160323939-G-A.
Other names: c.1151G>A, p.Ser384Asn (NM_001290184.2); c.797G>A, p.Ser266Asn (NM_001290186.2); c.1211G>A, p.Ser404Asn (NM_001349729.2); c.1211G>A (NM_015331.2); short protein forms S404N, S266N, S384N.
Identifiers: ClinVar variation 2977502 (VCV002977502.4), dbSNP rs143594377, ClinGen allele CA1198939.

ClinVar aggregate classification (germline): Uncertain significance. Review status: criteria provided, multiple submitters, no conflicts (2 of 4 stars). 2 submissions from 2 submitters: Uncertain significance (2). Last evaluated 2025-08-22.

Conditions:
Inborn genetic diseases. Identifiers: MedGen C0950123, MeSH D030342.

Allele frequency attached by ClinVar (database versions not stated): gnomAD exomes 0.00001; ExAC 0.00003; TOPMed 0.00006; gnomAD 0.00007; ESP Exome Variant Server 0.00008; 1000 Genomes Project 30x 0.00016; 1000 Genomes Project 0.00020.
gnomAD v4.1: 21 of 1,614,154 alleles (0.0013%); highest among the groups gnomAD compares: Admixed American, 0.012%; no homozygotes.

Submissions (2):

Ambry Genetics
Classification: Uncertain significance for Inborn genetic diseases. Last evaluated: 2025-08-22. Review status: criteria provided, single submitter. Criteria: Ambry Variant Classification Scheme 2023. Collection method: clinical testing. Allele origin: germline.

Labcorp Genetics (formerly Invitae), Labcorp
Classification: Uncertain significance. Last evaluated: 2024-12-22. Review status: criteria provided, single submitter. Criteria: Invitae Variant Classification Sherloc (09022015). Collection method: clinical testing. Allele origin: germline.
Comment: This sequence change replaces serine, which is neutral and polar, with asparagine, which is neutral and polar, at codon 404 of the NCSTN protein (p.Ser404Asn). This variant is present in population databases (rs143594377, gnomAD 0.004%). This variant has not been reported in the literature in individuals affected with NCSTN-related conditions. ClinVar contains an entry for this variant (Variation ID: 2977502). Invitae Evidence Modeling of protein sequence and biophysical properties (such as structural, functional, and spatial information, amino acid conservation, physicochemical variation, residue mobility, and thermodynamic stability) indicates that this missense variant is not expected to disrupt NCSTN protein function with a negative predictive value of 80%. In summary, the available evidence is currently insufficient to determine the role of this variant in disease. Therefore, it has been classified as a Variant of Uncertain Significance.